The following is an entry in ClinVar:

NM_001430.5(EPAS1):c.2005C>A (p.Pro669Thr)

Gene: EPAS1 (endothelial PAS domain protein 1; plus strand). Cytogenetic location: 2p21.
Variant type: single nucleotide variant.
Coding change: c.2005C>A on transcript NM_001430.5 (MANE Select); coding-DNA position 2005, C replaced by A.
Protein change: p.Pro669Thr; replaces proline 669 with threonine.
Molecular consequence: missense variant.
Genome position (GRCh38, 1-based): chr2:46,380,677, C>A. VCF-style: chr2-46380677-C-A. GRCh37 (hg19) VCF-style: chr2-46607816-C-A.
Other names: short protein forms P669T.
Identifiers: ClinVar variation 1784308 (VCV001784308.3), dbSNP rs1684868537, ClinGen allele CA346705327.

ClinVar aggregate classification (germline): Uncertain significance (1 of 4 stars; one submission).

Conditions:
Inborn genetic diseases. Identifiers: MedGen C0950123, MeSH D030342.

Submission:

Ambry Genetics
Classification: Uncertain significance for Inborn genetic diseases. Last evaluated: 2022-10-31. Review status: criteria provided, single submitter. Criteria: Ambry Variant Classification Scheme 2023. Collection method: clinical testing. Allele origin: germline.
Comment: The p.P669T variant (also known as c.2005C>A), located in coding exon 12 of the EPAS1 gene, results from a C to A substitution at nucleotide position 2005. The proline at codon 669 is replaced by threonine, an amino acid with highly similar properties. This amino acid position is conserved. In addition, this alteration is predicted to be tolerated by in silico analysis. Since supporting evidence is limited at this time, the clinical significance of this alteration remains unclear.